The following is an entry in ClinVar:

ClinVar aggregate classification (germline): Uncertain significance (1 of 4 stars; one submission).

Conditions:
Dystonia 16 (DYT16). Also called: DYT-PRKRA. Identifiers: Orphanet 210571, MedGen C2677567, MONDO:0012789, OMIM 612067.

Allele frequency attached by ClinVar (database versions not stated): gnomAD 0.00001; TOPMed 0.00002; gnomAD exomes 0.00003.
gnomAD v4.1: 50 of 1,614,048 alleles (0.0031%); highest among the groups gnomAD compares: Non-Finnish European, 0.0041%; no homozygotes.

Submission:

Labcorp Genetics (formerly Invitae), Labcorp
Classification: Uncertain significance for Dystonia 16. Last evaluated: 2022-02-01. Review status: criteria provided, single submitter. Criteria: Invitae Variant Classification Sherloc (09022015). Collection method: clinical testing. Allele origin: germline.
Comment: In summary, the available evidence is currently insufficient to determine the role of this variant in disease. Therefore, it has been classified as a Variant of Uncertain Significance. Algorithms developed to predict the effect of missense changes on protein structure and function (SIFT, PolyPhen-2, Align-GVGD) all suggest that this variant is likely to be tolerated. This variant has not been reported in the literature in individuals affected with PRKRA-related conditions. This variant is present in population databases (no rsID available, gnomAD 0.002%). This sequence change replaces isoleucine, which is neutral and non-polar, with valine, which is neutral and non-polar, at codon 96 of the PRKRA protein (p.Ile96Val).

NM_003690.5(PRKRA):c.286A>G (p.Ile96Val)

Gene: PRKRA (protein activator of interferon induced protein kinase EIF2AK2; minus strand). Cytogenetic location: 2q31.2.
Variant type: single nucleotide variant.
Coding change: c.286A>G on transcript NM_003690.5 (MANE Select); coding-DNA position 286, A replaced by G.
Protein change: p.Ile96Val; replaces isoleucine 96 with valine.
Molecular consequence: missense variant. On other transcripts: 5 prime UTR variant (1).
Genome position (GRCh38, 1-based): chr2:178,447,536, T>C on the plus strand (A>G on the coding strand, the complement: PRKRA is on the minus strand). VCF-style: chr2-178447536-T-C. GRCh37 (hg19) VCF-style: chr2-179312263-T-C.
Other names: c.253A>G, p.Ile85Val (NM_001139517.2); c.211A>G, p.Ile71Val (NM_001139518.2); c.-164A>G (NM_001316362.2); short protein forms I85V, I71V, I96V.
Identifiers: ClinVar variation 2079815 (VCV002079815.4), dbSNP rs1485781208, ClinGen allele CA349405467.